The following is an entry in ClinVar:

NM_006545.5(NPRL2):c.756G>C (p.Gln252His)

Gene: NPRL2 (NPR2 like, GATOR1 complex subunit; minus strand). Cytogenetic location: 3p21.31.
Variant type: single nucleotide variant.
Coding change: c.756G>C on transcript NM_006545.5 (MANE Select); coding-DNA position 756, G replaced by C.
Protein change: p.Gln252His; replaces glutamine 252 with histidine.
Molecular consequence: missense variant.
Genome position (GRCh38, 1-based): chr3:50,348,375, C>G on the plus strand (G>C on the coding strand, the complement: NPRL2 is on the minus strand). VCF-style: chr3-50348375-C-G. GRCh37 (hg19) VCF-style: chr3-50385806-C-G.
Other names: short protein forms Q252H.
Identifiers: ClinVar variation 2135995 (VCV002135995.1), dbSNP rs1703630749, ClinGen allele CA352949210.

ClinVar aggregate classification (germline): Uncertain significance (1 of 4 stars; one submission).

Allele frequency attached by ClinVar (database versions not stated): gnomAD 0.00001; TOPMed 0.00002.
gnomAD v4.1: 3 of 1,613,800 alleles (0.00019%); highest among the groups gnomAD compares: African/African-American, 0.0013%; no homozygotes.

Submission:

GeneDx
Classification: Uncertain significance. Last evaluated: 2022-07-22. Review status: criteria provided, single submitter. Criteria: GeneDx Variant Classification Process June 2021. Collection method: clinical testing. Allele origin: germline. Affected: yes.
Comment: Not observed at significant frequency in large population cohorts (gnomAD); In silico analysis supports that this missense variant does not alter protein structure/function; Has not been previously published as pathogenic or benign to our knowledge